The following is an entry in ClinVar:

NM_000203.5(IDUA):c.1529C>T (p.Pro510Leu)

Gene: IDUA (alpha-L-iduronidase; plus strand). Cytogenetic location: 4p16.3.
Variant type: single nucleotide variant.
Coding change: c.1529C>T on transcript NM_000203.5 (MANE Select); coding-DNA position 1529, C replaced by T.
Protein change: p.Pro510Leu; replaces proline 510 with leucine.
Molecular consequence: missense variant. On other transcripts: non-coding transcript variant (1).
Genome position (GRCh38, 1-based): chr4:1,003,349, C>T. VCF-style: chr4-1003349-C-T. GRCh37 (hg19) VCF-style: chr4-997137-C-T.
Other names: c.1133C>T, p.Pro378Leu (NM_001363576.1); c.1529C>T (NM_000203.3); short protein forms P378L, P510L.
Identifiers: ClinVar variation 1037132 (VCV001037132.9), dbSNP rs794727017, ClinGen allele CA91170630.

ClinVar aggregate classification (germline): Uncertain significance. Review status: criteria provided, multiple submitters, no conflicts (2 of 4 stars). 3 submissions from 3 submitters: Uncertain significance (2). 1 of the submissions does not count toward it. Last evaluated 2021-09-01.

Conditions:
Mucopolysaccharidosis type 1. Also called: IDUA deficiency; MPS I. Identifiers: Orphanet 579, MedGen C0023786, MONDO:0001586.

Allele frequency attached by ClinVar (database versions not stated): gnomAD exomes below 0.00001; gnomAD 0.00002; TOPMed 0.00002.

Submissions (3):

Labcorp Genetics (formerly Invitae), Labcorp
Classification: Uncertain significance for Mucopolysaccharidosis type 1. Last evaluated: 2021-09-01. Review status: criteria provided, single submitter. Criteria: Invitae Variant Classification Sherloc (09022015). Collection method: clinical testing. Allele origin: germline.
Comment: This sequence change replaces proline with leucine at codon 510 of the IDUA protein (p.Pro510Leu). The proline residue is highly conserved and there is a moderate physicochemical difference between proline and leucine. The frequency data for this variant in the population databases is considered unreliable, as metrics indicate insufficient coverage at this position in the ExAC database. This variant has not been reported in the literature in individuals affected with IDUA-related conditions. Algorithms developed to predict the effect of missense changes on protein structure and function (SIFT, PolyPhen-2, Align-GVGD) all suggest that this variant is likely to be disruptive. In summary, the available evidence is currently insufficient to determine the role of this variant in disease. Therefore, it has been classified as a Variant of Uncertain Significance.

Revvity Omics, Revvity
Classification: Uncertain significance. Last evaluated: 2020-05-18. Review status: criteria provided, single submitter. Criteria: ACMG Guidelines, 2015. Collection method: clinical testing. Allele origin: germline.

Natera, Inc.
Classification: Uncertain significance for Mucopolysaccharidosis type I. Last evaluated: 2020-12-15. Review status: no assertion criteria provided. Collection method: clinical testing. Allele origin: germline. Not counted in ClinVar's aggregate classification.